The following is an entry in ClinVar:

NM_004006.3(DMD):c.5393A>T (p.Glu1798Val)

Gene: DMD (dystrophin; minus strand). Cytogenetic location: Xp21.1.
Variant type: single nucleotide variant.
Coding change: c.5393A>T on transcript NM_004006.3 (MANE Select); coding-DNA position 5393, A replaced by T.
Protein change: p.Glu1798Val; replaces glutamic acid 1798 with valine.
Molecular consequence: missense variant.
Genome position (GRCh38, 1-based): chrX:32,348,461, T>A on the plus strand (A>T on the coding strand, the complement: DMD is on the minus strand). VCF-style: chrX-32348461-T-A. GRCh37 (hg19) VCF-style: chrX-32366578-T-A.
Other names: c.5369A>T, p.Glu1790Val (NM_000109.4); c.5381A>T, p.Glu1794Val (NM_004009.3); c.5024A>T, p.Glu1675Val (NM_004010.3); c.1370A>T, p.Glu457Val (NM_004011.4); c.1361A>T, p.Glu454Val (NM_004012.4); short protein forms E1675V, E1794V, E1798V, E454V, E1790V, E457V.
Identifiers: ClinVar variation 965214 (VCV000965214.8), dbSNP rs778973278, ClinGen allele CA10378703.

ClinVar aggregate classification (germline): Benign/Likely benign. Review status: criteria provided, multiple submitters, no conflicts (2 of 4 stars). 3 submissions from 3 submitters: Benign (1); Likely benign (1). 1 of the submissions does not count toward it. Last evaluated 2026-06-01.

Conditions:
Duchenne muscular dystrophy (DMD). Also called: Duchenne Muscular Dystrophy (DMD); MUSCULAR DYSTROPHY, PSEUDOHYPERTROPHIC PROGRESSIVE, DUCHENNE TYPE. Identifiers: Orphanet 98896, MedGen C0013264, MONDO:0010679, OMIM 310200.
Dystrophin deficiency.
Becker muscular dystrophy (BMD). Also called: Becker Muscular Dystrophy (BMD); MUSCULAR DYSTROPHY, PSEUDOHYPERTROPHIC PROGRESSIVE, BECKER TYPE. Identifiers: Orphanet 98895, MedGen C0917713, MONDO:0010311, OMIM 300376.
Cardiomyopathy (CMYO). Also called: Cardiomyopathies. Identifiers: Orphanet 167848, MedGen C0878544, MONDO:0004994, HP:0001638. Inheritance: Various modes of inheritance.

Allele frequency attached by ClinVar (database versions not stated): gnomAD 0.00001; gnomAD exomes 0.00001 and 0.00007; TOPMed 0.00003; ExAC 0.00012.
gnomAD v4.1: 14 of 1,204,587 alleles (0.0012%); highest among the groups gnomAD compares: Admixed American, 0.026%; no homozygotes.

Submissions (3):

CeGaT Center for Human Genetics Tuebingen
Classification: Likely benign. Last evaluated: 2026-06-01. Review status: criteria provided, single submitter. Criteria: CeGaT Center For Human Genetics Tuebingen Variant Classification Criteria Version 2. Collection method: clinical testing. Allele origin: germline. Affected: yes. Observed: 1 variant allele.
Comment: DMD: BS2

Labcorp Genetics (formerly Invitae), Labcorp
Classification: Benign for Duchenne muscular dystrophy. Last evaluated: 2024-05-22. Review status: criteria provided, single submitter. Criteria: Invitae Variant Classification Sherloc (09022015). Collection method: clinical testing. Allele origin: germline.

Natera, Inc.
Classification: Uncertain significance for Becker muscular dystrophy; Cardiomyopathy; Duchenne muscular dystrophy; Dystrophin deficiency. Last evaluated: 2018-04-30. Review status: no assertion criteria provided. Collection method: clinical testing. Allele origin: germline. Not counted in ClinVar's aggregate classification.